The following is an entry in ClinVar:

ClinVar aggregate classification (germline): Likely benign. Review status: criteria provided, single submitter (1 of 4 stars). 2 submissions from 2 submitters: Likely benign (1). 1 of the submissions does not count toward it. Last evaluated 2021-03-24.

Conditions:
NDUFA4-related disorder. Also called: NDUFA4-related condition.

Allele frequency attached by ClinVar (database versions not stated): TOPMed 0.00006; ExAC 0.00007; gnomAD exomes 0.00008 and 0.00010; gnomAD 0.00009.
gnomAD v4.1: 141 of 1,608,314 alleles (0.0088%); highest among the groups gnomAD compares: Non-Finnish European, 0.0076%; no homozygotes.

Submissions (2):

GeneDx
Classification: Likely benign. Last evaluated: 2021-03-24. Review status: criteria provided, single submitter. Criteria: GeneDx Variant Classification Process June 2021. Collection method: clinical testing. Allele origin: germline. Affected: yes.

PreventionGenetics, part of Exact Sciences
Classification: Likely benign for NDUFA4-related condition. Last evaluated: 2019-09-05. Review status: no assertion criteria provided. Collection method: clinical testing. Allele origin: germline. Not counted in ClinVar's aggregate classification.
Comment: This variant is classified as likely benign based on ACMG/AMP sequence variant interpretation guidelines (Richards et al. 2015 PMID: 25741868, with internal and published modifications).

NM_002489.4(NDUFA4):c.43-3T>C

Gene: NDUFA4 (NDUFA4 mitochondrial complex associated; minus strand). Cytogenetic location: 7p21.3.
Variant type: single nucleotide variant.
Coding change: c.43-3T>C on transcript NM_002489.4 (MANE Select); 3 bases into the intron before coding-DNA position 43, T replaced by C.
Molecular consequence: intron variant.
Genome position (GRCh38, 1-based): chr7:10,938,899, A>G on the plus strand (T>C on the coding strand, the complement: NDUFA4 is on the minus strand). VCF-style: chr7-10938899-A-G. GRCh37 (hg19) VCF-style: chr7-10978526-A-G.
Other names: c.43-3T>C (NM_002489.3).
Identifiers: ClinVar variation 1317513 (VCV001317513.4), dbSNP rs201335973, ClinGen allele CA4162620.